The following is an entry in ClinVar:

NM_001904.4(CTNNB1):c.2076G>A (p.Glu692=)

Gene: CTNNB1 (catenin beta 1; plus strand). Cytogenetic location: 3p22.1.
Variant type: single nucleotide variant.
Coding change: c.2076G>A on transcript NM_001904.4 (MANE Select); coding-DNA position 2076, G replaced by A.
Protein change: p.Glu692=; no amino-acid change (glutamic acid 692 retained).
Molecular consequence: synonymous variant.
Genome position (GRCh38, 1-based): chr3:41,236,709, G>A. VCF-style: chr3-41236709-G-A. GRCh37 (hg19) VCF-style: chr3-41278200-G-A.
Other names: c.2076G>A, p.Glu692= (NM_001438871.1, NM_001438872.1, NM_001438873.1 and 4 more transcripts); c.2055G>A, p.Glu685= (NM_001330729.2).
Identifiers: ClinVar variation 4712370 (VCV004712370.1).
Genomic context (GRCh38, chr3:41,236,709, plus strand): 5'-ACGGCTTTCAGTTGAGCTGACCAGCTCTCTCTTCAGAACAGAGCCAATGGCTTGGAATGA[G>A]GTAGGGAAATGTGAGCAGTTATTTATCTGGTAGTTTCCTAGAGCAGGTATGGCAGCTTGT-3'
Protein context (NP_001895.1, residues 682-702): LFRTEPMAWN[Glu692=]TADLGLDIGA

ClinVar aggregate classification (germline): Uncertain significance (1 of 4 stars; one submission).

Submission:

Labcorp Genetics (formerly Invitae), Labcorp
Classification: Uncertain significance. Last evaluated: 2025-02-05. Review status: criteria provided, single submitter. Criteria: Invitae Variant Classification Sherloc (09022015). Collection method: clinical testing. Allele origin: germline.
Comment: This sequence change affects codon 692 of the CTNNB1 mRNA. It is a 'silent' change, meaning that it does not change the encoded amino acid sequence of the CTNNB1 protein. This variant also falls at the last nucleotide of exon 13, which is part of the consensus splice site for this exon. This variant is not present in population databases (gnomAD no frequency). This variant has not been reported in the literature in individuals affected with CTNNB1-related conditions. Variants that disrupt the consensus splice site are a relatively common cause of aberrant splicing (PMID: 17576681, 9536098). Algorithms developed to predict the effect of sequence changes on RNA splicing suggest that this variant may disrupt the consensus splice site. In summary, the available evidence is currently insufficient to determine the role of this variant in disease. Therefore, it has been classified as a Variant of Uncertain Significance.

Literature cited by the submitters: PubMed 17576681; PubMed 9536098.